The following is an entry in ClinVar:

NM_003924.4(PHOX2B):c.-7del

Genes: PHOX2B (paired like homeobox 2B; minus strand), PHOX2B-AS1 (PHOX2B antisense RNA 1; plus strand). Cytogenetic location: 4p13.
Variant type: Deletion.
Coding change: c.-7del on transcript NM_003924.4 (MANE Select); 7 bases upstream of the start codon, one base deleted (C; older notation c.-7delC).
Molecular consequence: 5 prime UTR variant.
Genome position (GRCh38, 1-based): chr4:41,748,617, G deleted on the plus strand (C on the coding strand, the reverse complement: PHOX2B is on the minus strand); the first of 2 consecutive G bases (chr4:41,748,617-41,748,618); deleting either gives the same sequence. VCF-style (leftmost placement, unchanged base first): chr4-41748616-AG-A. GRCh37 (hg19) VCF-style: chr4-41750633-AG-A.
Other names: c.-8delC (NM_003924.3).
Identifiers: ClinVar variation 4082481 (VCV004082481.2).
Genomic context (GRCh38, chr4:41,748,616, plus strand): 5'-CCATACAGGACTCGTAGGCAGAGGAATTGAGGTAAGAATATTCCATTTTATACATTGAAA[AG>A]GTTCTGGATGGCTCAGCCAAGTGGAAAAATGAAATAAAAGATGGATATGGAGAAGGTGGC-3'

ClinVar aggregate classification (germline): Uncertain significance (1 of 4 stars; one submission).

Submission:

Genetic Services Laboratory, University of Chicago
Classification: Uncertain significance. Last evaluated: 2023-01-19. Review status: criteria provided, single submitter. Criteria: ACMG Guidelines, 2015. Collection method: clinical testing. Allele origin: germline. Affected: no.
Comment: DNA sequence analysis of the PHOX2B gene demonstrated a one base pair deletion in the 5' UTR, c.-7del. This change does not appear to have been previously described in individuals with PHOX2B-related disorders. This sequence change has been described in the gnomAD database in 1 individual which corresponds to a population frequency of 0.0004% (dbSNP rs1180196980). No upstream regulatory variants have been reported in individuals with PHOX2B-related disorders at this time. It is possible that this sequence change represents a benign sequence change in the PHOXB2 gene that has not been identified to date. The functional significance of this sequence change is not known at present.